The following is an entry in ClinVar:

ClinVar aggregate classification (germline): Likely benign. Review status: criteria provided, multiple submitters, no conflicts (2 of 4 stars). 3 submissions from 3 submitters: Likely benign (2). 1 of the submissions does not count toward it. Last evaluated 2025-02-06.

Conditions:
VPS13B-related disorder. Also called: VPS13B-related condition.
Cohen syndrome (COH1). Also called: PEPPER SYNDROME; Cutis verticis gyrata, retinitis pigmentosa, and sensorineural deafness. Identifiers: Orphanet 193, MedGen C0265223, MONDO:0008999, OMIM 216550.

Allele frequency attached by ClinVar (database versions not stated): gnomAD exomes 0.00001.
gnomAD v4.1: 10 of 1,614,172 alleles (0.00062%); highest among the groups gnomAD compares: Middle Eastern, 0.016%; no homozygotes.

Submissions (3):

Labcorp Genetics (formerly Invitae), Labcorp
Classification: Likely benign for Cohen syndrome. Last evaluated: 2025-02-06. Review status: criteria provided, single submitter. Criteria: Invitae Variant Classification Sherloc (09022015). Collection method: clinical testing. Allele origin: germline.

Blueprint Genetics
Classification: Likely benign. Last evaluated: 2024-07-06. Review status: criteria provided, single submitter. Criteria: ACMG Guidelines, 2015. Collection method: clinical testing. Allele origin: germline.

PreventionGenetics, part of Exact Sciences
Classification: Likely benign for VPS13B-related condition. Last evaluated: 2021-05-19. Review status: no assertion criteria provided. Collection method: clinical testing. Allele origin: germline. Not counted in ClinVar's aggregate classification.
Comment: This variant is classified as likely benign based on ACMG/AMP sequence variant interpretation guidelines (Richards et al. 2015 PMID: 25741868, with internal and published modifications).

NM_152564.5(VPS13B):c.3027A>G (p.Gln1009=)

Gene: VPS13B (vacuolar protein sorting 13 homolog B; plus strand). Cytogenetic location: 8q22.2.
Variant type: single nucleotide variant.
Coding change: c.3027A>G on transcript NM_152564.5 (MANE Select); coding-DNA position 3027, A replaced by G.
Protein change: p.Gln1009=; no amino-acid change (glutamine 1009 retained).
Molecular consequence: synonymous variant.
Genome position (GRCh38, 1-based): chr8:99,391,649, A>G. VCF-style: chr8-99391649-A-G. GRCh37 (hg19) VCF-style: chr8-100403877-A-G.
Other names: c.3027A>G, p.Gln1009= (NM_017890.5); c.3027A>G (NM_152564.4).
Identifiers: ClinVar variation 1084203 (VCV001084203.11), dbSNP rs1814454495, ClinGen allele CA462428478.